The following is an entry in ClinVar:

ClinVar aggregate classification (germline): Uncertain significance (1 of 4 stars; one submission).

Conditions:
Hereditary cancer-predisposing syndrome. Also called: Tumor predisposition; Hereditary Cancer Syndrome; Hereditary neoplastic syndrome; Neoplastic Syndromes, Hereditary. Identifiers: Orphanet 140162, MedGen C0027672, MeSH D009386, MONDO:0015356.

Submission:

Ambry Genetics
Classification: Uncertain significance for Hereditary cancer-predisposing syndrome. Last evaluated: 2024-05-16. Review status: criteria provided, single submitter. Criteria: Ambry Variant Classification Scheme 2023. Collection method: clinical testing. Allele origin: germline.
Comment: The c.3761delA variant, located in coding exon 25 of the ALK gene, results from a deletion of one nucleotide at nucleotide position 3761, causing a translational frameshift with a predicted alternate stop codon (p.N1254Tfs*4). This alteration is expected to result in loss of function by premature protein truncation or nonsense-mediated mRNA decay. However, loss of function of ALK has not been established as a mechanism of disease. Based on the available evidence, the clinical significance of this alteration remains unclear.

NM_004304.5(ALK):c.3761del (p.Asn1254fs)

Gene: ALK (ALK receptor tyrosine kinase; minus strand). Cytogenetic location: 2p23.2.
Variant type: Deletion.
Coding change: c.3761del on transcript NM_004304.5 (MANE Select); coding-DNA position 3761, one base deleted (A; older notation c.3761delA).
Protein change: p.Asn1254fs; shifts the reading frame from asparagine 1254.
Molecular consequence: frameshift variant.
Genome position (GRCh38, 1-based): chr2:29,209,861, T deleted on the plus strand (A on the coding strand, the reverse complement: ALK is on the minus strand); the first of 3 consecutive T bases (chr2:29,209,861-29,209,863); deleting any one gives the same sequence. VCF-style (leftmost placement, unchanged base first): chr2-29209860-GT-G. GRCh37 (hg19) VCF-style: chr2-29432726-GT-G.
Other names: c.557del, p.Asn186fs (NM_001353765.2); short protein forms N186fs, N1254fs.
Identifiers: ClinVar variation 3286077 (VCV003286077.1).